The following is an entry in ClinVar:

ClinVar aggregate classification (germline): Uncertain significance. Review status: criteria provided, multiple submitters, no conflicts (2 of 4 stars). 3 submissions from 3 submitters: Uncertain significance (2). 1 of the submissions does not count toward it. Last evaluated 2025-12-19.

Conditions:
FASLG-related disorder. Also called: FASLG-related condition.
Autoimmune lymphoproliferative syndrome type 1. Also called: AUTOIMMUNE LYMPHOPROLIFERATIVE SYNDROME, TYPE I, AUTOSOMAL DOMINANT. Identifiers: Orphanet 3261, MedGen C2717884, MONDO:0011158, OMIM 601859.

Allele frequency attached by ClinVar (database versions not stated): gnomAD exomes 0.00003; ExAC 0.00002; TOPMed 0.00001.
gnomAD v4.1: 106 of 1,614,172 alleles (0.0066%); highest among the groups gnomAD compares: Non-Finnish European, 0.0085%; no homozygotes.

Submissions (3):

Labcorp Genetics (formerly Invitae), Labcorp
Classification: Uncertain significance for Autoimmune lymphoproliferative syndrome. Last evaluated: 2025-12-19. Review status: criteria provided, single submitter. Criteria: Invitae Variant Classification Sherloc (09022015). Collection method: clinical testing. Allele origin: germline.
Comment: This sequence change replaces serine, which is neutral and polar, with arginine, which is basic and polar, at codon 17 of the FASLG protein (p.Ser17Arg). This variant is present in population databases (rs777720730, gnomAD 0.007%). This variant has not been reported in the literature in individuals affected with FASLG-related conditions. ClinVar contains an entry for this variant (Variation ID: 850665). An algorithm developed to predict the effect of missense changes on protein structure and function (PolyPhen-2) suggests that this variant is likely to be tolerated. In summary, the available evidence is currently insufficient to determine the role of this variant in disease. Therefore, it has been classified as a Variant of Uncertain Significance.

Breakthrough Genomics
Classification: Uncertain significance. Review status: criteria provided, single submitter. Criteria: ACMG Guidelines, 2015. Collection method: not provided. Allele origin: germline. Inheritance: Autosomal dominant inheritance. Affected: yes.

PreventionGenetics, part of Exact Sciences
Classification: Uncertain significance for FASLG-related condition. Last evaluated: 2023-12-18. Review status: no assertion criteria provided. Collection method: clinical testing. Allele origin: germline. Not counted in ClinVar's aggregate classification.
Comment: The FASLG c.49A>C variant is predicted to result in the amino acid substitution p.Ser17Arg. To our knowledge, this variant has not been reported in the literature. This variant is reported in 0.0062% of alleles in individuals of European (Non-Finnish) descent in gnomAD. At this time, the clinical significance of this variant is uncertain due to the absence of conclusive functional and genetic evidence.

NM_000639.3(FASLG):c.49A>C (p.Ser17Arg)

Gene: FASLG (Fas ligand; plus strand). Cytogenetic location: 1q24.3.
Variant type: single nucleotide variant.
Coding change: c.49A>C on transcript NM_000639.3 (MANE Select); coding-DNA position 49, A replaced by C.
Protein change: p.Ser17Arg; replaces serine 17 with arginine.
Molecular consequence: missense variant.
Genome position (GRCh38, 1-based): chr1:172,659,250, A>C. VCF-style: chr1-172659250-A-C. GRCh37 (hg19) VCF-style: chr1-172628390-A-C.
Other names: c.49A>C, p.Ser17Arg (NM_001302746.2); short protein forms S17R.
Identifiers: ClinVar variation 850665 (VCV000850665.7), dbSNP rs777720730, ClinGen allele CA1247427.
Genomic context (GRCh38, chr1:172,659,250, plus strand): 5'-TCACCAGCTGCCATGCAGCAGCCCTTCAATTACCCATATCCCCAGATCTACTGGGTGGAC[A>C]GCAGTGCCAGCTCTCCCTGGGCCCCTCCAGGCACAGTTCTTCCCTGTCCAACCTCTGTGC-3'
Protein context (NP_000630.1, residues 7-27): YPYPQIYWVD[Ser17Arg]SASSPWAPPG